The following is an entry in ClinVar:

NM_015910.7(WDPCP):c.1849G>A (p.Ala617Thr)

Gene: WDPCP (WD repeat containing planar cell polarity effector; minus strand). Cytogenetic location: 2p15.
Variant type: single nucleotide variant.
Coding change: c.1849G>A on transcript NM_015910.7 (MANE Select); coding-DNA position 1849, G replaced by A.
Protein change: p.Ala617Thr; replaces alanine 617 with threonine.
Molecular consequence: missense variant. On other transcripts: non-coding transcript variant (2).
Genome position (GRCh38, 1-based): chr2:63,259,373, C>T on the plus strand (G>A on the coding strand, the complement: WDPCP is on the minus strand). VCF-style: chr2-63259373-C-T. GRCh37 (hg19) VCF-style: chr2-63486508-C-T.
Other names: c.1372G>A, p.Ala458Thr (NM_001042692.3); c.1777G>A, p.Ala593Thr (NM_001354044.2); short protein forms A593T, A617T, A458T.
Identifiers: ClinVar variation 956560 (VCV000956560.7), dbSNP rs765912876, ClinGen allele CA1682082.

ClinVar aggregate classification (germline): Uncertain significance (1 of 4 stars; one submission).

Conditions:
Bardet-Biedl syndrome (BBS). Identifiers: Orphanet 110, MedGen C0752166, MONDO:0015229.

Allele frequency attached by ClinVar (database versions not stated): gnomAD exomes below 0.00001; ExAC 0.00001.
gnomAD v4.1: 1 of 1,612,276 alleles (0.000062%); highest among the groups gnomAD compares: Middle Eastern, 0.017%; no homozygotes.

Submission:

Labcorp Genetics (formerly Invitae), Labcorp
Classification: Uncertain significance for Bardet-Biedl syndrome. Last evaluated: 2019-08-25. Review status: criteria provided, single submitter. Criteria: Invitae Variant Classification Sherloc (09022015). Collection method: clinical testing. Allele origin: germline.
Comment: This variant is present in population databases (rs765912876, ExAC 0.002%). This variant has not been reported in the literature in individuals with WDPCP-related conditions. This sequence change replaces alanine with threonine at codon 617 of the WDPCP protein (p.Ala617Thr). The alanine residue is moderately conserved and there is a small physicochemical difference between alanine and threonine. In summary, the available evidence is currently insufficient to determine the role of this variant in disease. Therefore, it has been classified as a Variant of Uncertain Significance. Algorithms developed to predict the effect of missense changes on protein structure and function are either unavailable or do not agree on the potential impact of this missense change (SIFT: "Tolerated"; PolyPhen-2: "Probably Damaging"; Align-GVGD: "Class C0").